The following is an entry in ClinVar:

NM_004074.3(COX8A):c.67C>T (p.Arg23Cys)

Genes: COX8A (cytochrome c oxidase subunit 8A; plus strand), LOC130005904 (ATAC-STARR-seq lymphoblastoid active region 4880; plus strand). Cytogenetic location: 11q13.1.
Variant type: single nucleotide variant.
Coding change: c.67C>T on transcript NM_004074.3 (MANE Select); coding-DNA position 67, C replaced by T.
Protein change: p.Arg23Cys; replaces arginine 23 with cysteine.
Molecular consequence: missense variant.
Genome position (GRCh38, 1-based): chr11:63,974,747, C>T. VCF-style: chr11-63974747-C-T. GRCh37 (hg19) VCF-style: chr11-63742219-C-T.
Other names: short protein forms R23C.
Identifiers: ClinVar variation 771443 (VCV000771443.38), dbSNP rs144339685, ClinGen allele CA6066721.

ClinVar aggregate classification (germline): Benign/Likely benign. Review status: criteria provided, multiple submitters, no conflicts (2 of 4 stars). 6 submissions from 6 submitters: Benign (3); Likely benign (3). Last evaluated 2026-01-07.

Allele frequency attached by ClinVar (database versions not stated): ExAC 0.00146; gnomAD 0.00245; TOPMed 0.00263; 1000 Genomes Project 30x 0.00265; ESP Exome Variant Server 0.00285; 1000 Genomes Project 0.00319.
gnomAD v4.1: 967 of 1,608,092 alleles (0.06%); highest among the groups gnomAD compares: African/African-American, 0.86%; 11 homozygotes.

Submissions (6):

Labcorp Genetics (formerly Invitae), Labcorp
Classification: Benign. Last evaluated: 2026-01-07. Review status: criteria provided, single submitter. Criteria: Invitae Variant Classification Sherloc (09022015). Collection method: clinical testing. Allele origin: germline.

Genomic Medicine Center of Excellence, King Faisal Specialist Hospital and Research Centre
Classification: Likely benign. Last evaluated: 2025-08-18. Review status: criteria provided, single submitter. Criteria: ACMG Guidelines, 2015. Collection method: clinical testing. Allele origin: germline.

Blueprint Genetics
Classification: Likely benign. Last evaluated: 2024-10-08. Review status: criteria provided, single submitter. Criteria: ACMG Guidelines, 2015. Collection method: clinical testing. Allele origin: germline.

CeGaT Center for Human Genetics Tuebingen
Classification: Likely benign. Last evaluated: 2023-09-01. Review status: criteria provided, single submitter. Criteria: CeGaT Center For Human Genetics Tuebingen Variant Classification Criteria Version 2. Collection method: clinical testing. Allele origin: germline. Affected: yes. Observed: 2 variant alleles.
Comment: COX8A: BP4, BS2

GeneDx
Classification: Benign. Last evaluated: 2019-12-30. Review status: criteria provided, single submitter. Criteria: GeneDx Variant Classification Process June 2021. Collection method: clinical testing. Allele origin: germline. Affected: yes.

Breakthrough Genomics
Classification: Benign. Review status: criteria provided, single submitter. Criteria: ACMG Guidelines, 2015. Collection method: not provided. Allele origin: germline. Inheritance: Autosomal recessive inheritance. Affected: yes.